The following is an entry in ClinVar:

NM_001371928.1(AHDC1):c.1693_1716dup (p.Ala572_Thr573insAlaValValAlaAlaGluAlaAla)

Gene: AHDC1 (AT-hook DNA binding motif containing 1; minus strand). Cytogenetic location: 1p36.11.
Variant type: Duplication.
Coding change: c.1693_1716dup on transcript NM_001371928.1 (MANE Select); coding-DNA positions 1693 to 1716, 24 bases duplicated (GCTGTGGTGGCGGCCGAGGCAGCC).
Protein change: p.Ala572_Thr573insAlaValValAlaAlaGluAlaAla.
Genome position (GRCh38, 1-based): chr1:27,550,400-27,550,423, GGCTGCCTCGGCCGCCACCACAGC duplicated on the plus strand (GCTGTGGTGGCGGCCGAGGCAGCC on the coding strand, the reverse complement: AHDC1 is on the minus strand). VCF-style (leftmost placement, unchanged base first): chr1-27550399-T-TGGCTGCCTCGGCCGCCACCACAGC. GRCh37 (hg19) VCF-style: chr1-27876910-T-TGGCTGCCTCGGCCGCCACCACAGC.
Other names: c.1693_1716dup, p.Ala572_Thr573insAlaValValAlaAlaGluAlaAla (NM_001029882.3).
Identifiers: ClinVar variation 3725501 (VCV003725501.2).

ClinVar aggregate classification (germline): Uncertain significance (1 of 4 stars; one submission).

Submission:

Labcorp Genetics (formerly Invitae), Labcorp
Classification: Uncertain significance. Last evaluated: 2024-11-18. Review status: criteria provided, single submitter. Criteria: Invitae Variant Classification Sherloc (09022015). Collection method: clinical testing. Allele origin: germline.
Comment: This variant, c.1693_1716dup, results in the insertion of 8 amino acid(s) of the AHDC1 protein (p.Ala565_Ala572dup), but otherwise preserves the integrity of the reading frame. This variant is not present in population databases (gnomAD no frequency). This variant has not been reported in the literature in individuals affected with AHDC1-related conditions. In summary, the available evidence is currently insufficient to determine the role of this variant in disease. Therefore, it has been classified as a Variant of Uncertain Significance.